The following is an entry in ClinVar:

NM_001018115.3(FANCD2):c.2217_2218del (p.Val741fs)

Genes: FANCD2 (FA complementation group D2; plus strand), LOC107303338 (3p25 FANCD2 Alu-mediated recombination region; plus strand). Cytogenetic location: 3p25.3.
Variant type: Deletion.
Coding change: c.2217_2218del on transcript NM_001018115.3 (MANE Select); coding-DNA positions 2217 to 2218, 2 bases deleted (TT; older notation c.2217_2218delTT).
Protein change: p.Val741fs; shifts the reading frame from valine 741.
Molecular consequence: frameshift variant.
Genome position (GRCh38, 1-based): chr3:10,065,442-10,065,443, TT deleted; deleting any 2 consecutive bases within chr3:10,065,441-10,065,443 gives the same sequence; the c. name uses the placement nearest the transcript's 3' end. VCF-style (leftmost placement, unchanged base first): chr3-10065440-CTT-C. GRCh37 (hg19) VCF-style: chr3-10107124-CTT-C.
Other names: c.2217_2218del, p.Val741fs (NM_001319984.2, NM_001374254.1, NM_033084.6); c.2106_2107del, p.Val704fs (NM_001374253.1); short protein forms V741fs, V704fs.
Identifiers: ClinVar variation 2729138 (VCV002729138.4), dbSNP rs747604554, ClinGen allele CA2250009.

ClinVar aggregate classification (germline): Pathogenic/Likely pathogenic. Review status: criteria provided, multiple submitters, no conflicts (2 of 4 stars). 2 submissions from 2 submitters: Pathogenic (1); Likely pathogenic (1). Last evaluated 2023-11-03.

Conditions:
Fanconi anemia (FA). Also called: Fanconi's anemia. Identifiers: Orphanet 84, MedGen C0015625, MeSH D005199, MONDO:0019391.
Fanconi anemia complementation group D2. Also called: FANCONI PANCYTOPENIA, TYPE 4; FANCONI ANEMIA, COMPLEMENTATION GROUP D; FANCD2-Related Fanconi Anemia. Identifiers: Orphanet 84, MedGen C3160738, MONDO:0009214, OMIM 227646.

Submissions (2):

Baylor Genetics
Classification: Likely pathogenic for Fanconi anemia complementation group D2. Last evaluated: 2023-11-03. Review status: criteria provided, single submitter. Criteria: ACMG Guidelines, 2015. Collection method: clinical testing. Allele origin: unknown.

Labcorp Genetics (formerly Invitae), Labcorp
Classification: Pathogenic for Fanconi anemia. Last evaluated: 2023-07-09. Review status: criteria provided, single submitter. Criteria: Invitae Variant Classification Sherloc (09022015). Collection method: clinical testing. Allele origin: germline.
Comment: For these reasons, this variant has been classified as Pathogenic. This variant has not been reported in the literature in individuals affected with FANCD2-related conditions. This variant is present in population databases (rs747604554, gnomAD 0.007%). This sequence change creates a premature translational stop signal (p.Val741Glyfs*5) in the FANCD2 gene. It is expected to result in an absent or disrupted protein product. Loss-of-function variants in FANCD2 are known to be pathogenic (PMID: 17436244).

Literature cited by the submitters: PubMed 17436244 (cited by Labcorp Genetics (formerly Invitae), Labcorp).